The following is an entry in ClinVar:

ClinVar aggregate classification (germline): Uncertain significance (1 of 4 stars; one submission).

Conditions:
Leber congenital amaurosis 2 (LCA2). Also called: Autosomal Recessive RPE65-Related Retinal Degeneration; AMAUROSIS CONGENITA OF LEBER II. Identifiers: Orphanet 65, MedGen C1859844, MONDO:0008765, OMIM 204100. Disease mechanism: loss of function.
Retinitis pigmentosa 20 (RP20). Identifiers: Orphanet 791, MedGen C3151086, MONDO:0013425, OMIM 613794.

gnomAD v4.1: 1 of 1,613,790 alleles (0.000062%); highest among the groups gnomAD compares: African/African-American, 0.0013%; no homozygotes.

Submission:

Labcorp Genetics (formerly Invitae), Labcorp
Classification: Uncertain significance for Leber congenital amaurosis 2; Retinitis pigmentosa 20. Last evaluated: 2022-08-27. Review status: criteria provided, single submitter. Criteria: Invitae Variant Classification Sherloc (09022015). Collection method: clinical testing. Allele origin: germline.
Comment: This variant has not been reported in the literature in individuals affected with RPE65-related conditions. In summary, the available evidence is currently insufficient to determine the role of this variant in disease. Therefore, it has been classified as a Variant of Uncertain Significance. Algorithms developed to predict the effect of sequence changes on RNA splicing suggest that this variant may disrupt the consensus splice site. Algorithms developed to predict the effect of missense changes on protein structure and function are either unavailable or do not agree on the potential impact of this missense change (SIFT: "Tolerated"; PolyPhen-2: "Probably Damaging"; Align-GVGD: "Class C0"). This variant is not present in population databases (gnomAD no frequency). This sequence change replaces valine, which is neutral and non-polar, with phenylalanine, which is neutral and non-polar, at codon 226 of the RPE65 protein (p.Val226Phe).

NM_000329.3(RPE65):c.676G>T (p.Val226Phe)

Gene: RPE65 (retinoid isomerohydrolase RPE65; minus strand). Cytogenetic location: 1p31.3.
Variant type: single nucleotide variant.
Coding change: c.676G>T on transcript NM_000329.3 (MANE Select); coding-DNA position 676, G replaced by T.
Protein change: p.Val226Phe; replaces valine 226 with phenylalanine.
Molecular consequence: missense variant.
Genome position (GRCh38, 1-based): chr1:68,439,610, C>A on the plus strand (G>T on the coding strand, the complement: RPE65 is on the minus strand). VCF-style: chr1-68439610-C-A. GRCh37 (hg19) VCF-style: chr1-68905293-C-A.
Other names: c.568G>T, p.Val190Phe (NM_001406853.1); c.400G>T, p.Val134Phe (NM_001406856.1, NM_001406857.1); c.676G>T, p.Val226Phe (NM_001406859.1); short protein forms V190F, V134F, V226F.
Identifiers: ClinVar variation 1922920 (VCV001922920.5), dbSNP rs750099371, ClinGen allele CA340746010.